The following is an entry in ClinVar:

NM_000051.4(ATM):c.1249del (p.Thr417fs)

Gene: ATM (ATM serine/threonine kinase; plus strand). Cytogenetic location: 11q22.3.
Variant type: Deletion.
Coding change: c.1249del on transcript NM_000051.4 (MANE Select); coding-DNA position 1249, one base deleted (A; older notation c.1249delA).
Protein change: p.Thr417fs; shifts the reading frame from threonine 417.
Molecular consequence: frameshift variant.
Genome position (GRCh38, 1-based): chr11:108,250,714, A deleted; the last of 2 consecutive A bases (chr11:108,250,713-108,250,714); deleting either gives the same sequence. VCF-style (leftmost placement, unchanged base first): chr11-108250712-CA-C. GRCh37 (hg19) VCF-style: chr11-108121439-CA-C.
Other names: c.1249delA (NM_000051.3); c.1249del, p.Thr417fs (NM_001351834.2); short protein forms T417fs.
Identifiers: ClinVar variation 186714 (VCV000186714.11), dbSNP rs786203166, ClinGen allele CA195638.

ClinVar aggregate classification (germline): Pathogenic/Likely pathogenic. Review status: criteria provided, multiple submitters, no conflicts (2 of 4 stars). 4 submissions from 4 submitters: Pathogenic (3); Likely pathogenic (1). Last evaluated 2025-05-28.

Conditions:
Familial cancer of breast. Also called: BREAST CANCER, FAMILIAL; Hereditary breast cancer; hereditary breast carcinoma. Identifiers: Orphanet 227535, MedGen C0346153, MONDO:0016419, OMIM 114480. Disease mechanism: loss of function.
Hereditary cancer-predisposing syndrome. Also called: Hereditary Cancer Syndrome; Neoplastic Syndromes, Hereditary; Tumor predisposition; Hereditary neoplastic syndrome. Identifiers: Orphanet 140162, MedGen C0027672, MeSH D009386, MONDO:0015356.
Ataxia-telangiectasia syndrome (AT). Also called: Ataxia-telangiectasia, complementation group D; AT, COMPLEMENTATION GROUP C; ATAXIA-TELANGIECTASIA, COMPLEMENTATION GROUP A; ATAXIA-TELANGIECTASIA, FRESNO VARIANT; Ataxia-telangiectasia; LOUIS-BAR SYNDROME. Identifiers: Orphanet 100, MedGen C0004135, MONDO:0008840, OMIM 208900.

Submissions (4):

Ambry Genetics
Classification: Pathogenic for Hereditary cancer-predisposing syndrome. Last evaluated: 2025-05-28. Review status: criteria provided, single submitter. Criteria: Ambry Variant Classification Scheme 2023. Collection method: clinical testing. Allele origin: germline.
Comment: The c.1249delA pathogenic mutation, located in coding exon 9 of the ATM gene, results from a deletion of one nucleotide at nucleotide position 1249, causing a translational frameshift with a predicted alternate stop codon (p.T417Pfs*3). This variant is considered to be rare based on population cohorts in the Genome Aggregation Database (gnomAD). This alteration is expected to result in loss of function by premature protein truncation or nonsense-mediated mRNA decay. As such, this alteration is interpreted as a disease-causing mutation.

Myriad Genetics, Inc.
Classification: Pathogenic for Familial cancer of breast. Last evaluated: 2024-01-12. Review status: criteria provided, single submitter. Criteria: Myriad Autosomal Dominant, Autosomal Recessive and X-Linked Classification Criteria (2023). Collection method: clinical testing. Allele origin: unknown.
Comment: This variant is considered pathogenic. This variant creates a frameshift predicted to result in premature protein truncation.

Revvity Omics, Revvity
Classification: Pathogenic for Ataxia-telangiectasia syndrome. Last evaluated: 2019-06-11. Review status: criteria provided, single submitter. Criteria: ACMG Guidelines, 2015. Collection method: clinical testing. Allele origin: germline.

Athena Diagnostics
Classification: Likely pathogenic. Last evaluated: 2018-06-21. Review status: criteria provided, single submitter. Criteria: Athena Diagnostics Criteria. Collection method: clinical testing. Allele origin: germline.